The following is an entry in ClinVar:

ClinVar aggregate classification (germline): Uncertain significance (1 of 4 stars; one submission).

Allele frequency attached by ClinVar (database versions not stated): gnomAD exomes below 0.00001 and 0.00001; TOPMed below 0.00001; gnomAD 0.00001.

Submission:

Labcorp Genetics (formerly Invitae), Labcorp
Classification: Uncertain significance. Last evaluated: 2025-03-17. Review status: criteria provided, single submitter. Criteria: Invitae Variant Classification Sherloc (09022015). Collection method: clinical testing. Allele origin: germline.
Comment: This sequence change replaces arginine, which is basic and polar, with cysteine, which is neutral and slightly polar, at codon 112 of the FAM46A protein (p.Arg112Cys). This variant is present in population databases (no rsID available, gnomAD 0.006%). This variant has not been reported in the literature in individuals affected with FAM46A-related conditions. ClinVar contains an entry for this variant (Variation ID: 1680595). Invitae Evidence Modeling of protein sequence and biophysical properties (such as structural, functional, and spatial information, amino acid conservation, physicochemical variation, residue mobility, and thermodynamic stability) indicates that this missense variant is not expected to disrupt FAM46A protein function with a negative predictive value of 80%. In summary, the available evidence is currently insufficient to determine the role of this variant in disease. Therefore, it has been classified as a Variant of Uncertain Significance.

NM_017633.3(TENT5A):c.334C>T (p.Arg112Cys)

Gene: TENT5A (terminal nucleotidyltransferase 5A; minus strand). Cytogenetic location: 6q14.1.
Variant type: single nucleotide variant.
Coding change: c.334C>T on transcript NM_017633.3 (MANE Select); coding-DNA position 334, C replaced by T.
Protein change: p.Arg112Cys; replaces arginine 112 with cysteine.
Molecular consequence: missense variant.
Genome position (GRCh38, 1-based): chr6:81,751,808, G>A on the plus strand (C>T on the coding strand, the complement: TENT5A is on the minus strand). VCF-style: chr6-81751808-G-A. GRCh37 (hg19) VCF-style: chr6-82461525-G-A.
Other names: short protein forms R112C.
Identifiers: ClinVar variation 1680595 (VCV001680595.5), dbSNP rs1269474113, ClinGen allele CA365034157.
Genomic context (GRCh38, chr6:81,751,808, plus strand): 5'-CCTGGTGCAGGACATGGCTGGCTGCCGAGCCGTTGAGGCGCACGTCGCGGACGCCAATGC[G>A]CTTCTCGGCCAGGCGCCGCCGCACCACCTTCACGATCAGGCTCGGCTGCAGCTCGAGCGT-3'
Protein context (NP_060103.2, residues 102-122): KVVRRRLAEK[Arg112Cys]IGVRDVRLNG